The following is an entry in ClinVar:

NM_003922.4(HERC1):c.5907A>T (p.Glu1969Asp)

Gene: HERC1 (HECT and RLD domain containing E3 ubiquitin protein ligase family member 1; minus strand). Cytogenetic location: 15q22.31.
Variant type: single nucleotide variant.
Coding change: c.5907A>T on transcript NM_003922.4 (MANE Select); coding-DNA position 5907, A replaced by T.
Protein change: p.Glu1969Asp; replaces glutamic acid 1969 with aspartic acid.
Molecular consequence: missense variant.
Genome position (GRCh38, 1-based): chr15:63,690,571, T>A on the plus strand (A>T on the coding strand, the complement: HERC1 is on the minus strand). VCF-style: chr15-63690571-T-A. GRCh37 (hg19) VCF-style: chr15-63982770-T-A.
Other names: short protein forms E1969D.
Identifiers: ClinVar variation 1878997 (VCV001878997.1), dbSNP rs1489738796, ClinGen allele CA392743968.
Genomic context (GRCh38, chr15:63,690,571, plus strand): 5'-ACATCTTCTAATAATTTTAAAAATAAAAACCTGGGCCATTTGATCATCTTCTACACCAGA[T>A]TCACAAGCTGGCAGCACAGCTTCAAGGACATGAAGTGCAAGGAGCCTTGTTCTTAAGTTA-3'
Protein context (NP_003913.3, residues 1959-1979): HVLEAVLPAC[Glu1969Asp]SGVEDDQMAQ

ClinVar aggregate classification (germline): Uncertain significance (1 of 4 stars; one submission).

Allele frequency attached by ClinVar (database versions not stated): gnomAD exomes below 0.00001; gnomAD 0.00001; TOPMed 0.00002.
gnomAD v4.1: 3 of 1,612,758 alleles (0.00019%); highest among the groups gnomAD compares: African/African-American, 0.004%; no homozygotes.

Submission:

GeneDx
Classification: Uncertain significance. Last evaluated: 2022-07-14. Review status: criteria provided, single submitter. Criteria: GeneDx Variant Classification Process June 2021. Collection method: clinical testing. Allele origin: germline. Affected: yes.
Comment: Not observed at significant frequency in large population cohorts (gnomAD); In silico analysis supports that this missense variant does not alter protein structure/function; Has not been previously published as pathogenic or benign to our knowledge